The following is an entry in ClinVar:

ClinVar aggregate classification (germline): Uncertain significance (1 of 4 stars; one submission).

Allele frequency attached by ClinVar (database versions not stated): gnomAD exomes below 0.00001; ExAC 0.00001.

Submission:

Labcorp Genetics (formerly Invitae), Labcorp
Classification: Uncertain significance. Last evaluated: 2022-06-29. Review status: criteria provided, single submitter. Criteria: Invitae Variant Classification Sherloc (09022015). Collection method: clinical testing. Allele origin: germline.
Comment: In summary, the available evidence is currently insufficient to determine the role of this variant in disease. Therefore, it has been classified as a Variant of Uncertain Significance. This variant has not been reported in the literature in individuals affected with ACE-related conditions. This variant is present in population databases (rs760885341, gnomAD 0.0009%). This sequence change replaces isoleucine, which is neutral and non-polar, with methionine, which is neutral and non-polar, at codon 395 of the ACE protein (p.Ile395Met). Algorithms developed to predict the effect of missense changes on protein structure and function are either unavailable or do not agree on the potential impact of this missense change (SIFT: "Deleterious"; PolyPhen-2: "Possibly Damaging"; Align-GVGD: "Class C0").

NM_000789.4(ACE):c.1185A>G (p.Ile395Met)

Gene: ACE (angiotensin I converting enzyme; plus strand). Cytogenetic location: 17q23.3.
Variant type: single nucleotide variant.
Coding change: c.1185A>G on transcript NM_000789.4 (MANE Select); coding-DNA position 1185, A replaced by G.
Protein change: p.Ile395Met; replaces isoleucine 395 with methionine.
Molecular consequence: missense variant.
Genome position (GRCh38, 1-based): chr17:63,482,532, A>G. VCF-style: chr17-63482532-A-G. GRCh37 (hg19) VCF-style: chr17-61559893-A-G.
Other names: c.618A>G, p.Ile206Met (NM_001382700.1); c.333A>G, p.Ile111Met (NM_001382701.1); short protein forms I395M, I111M, I206M.
Identifiers: ClinVar variation 2012174 (VCV002012174.4), dbSNP rs760885341, ClinGen allele CA8699434.